The following is an entry in ClinVar:

ClinVar aggregate classification (germline): Pathogenic (1 of 4 stars; one submission).

Conditions:
Lynch syndrome 4 (LYNCH4). Also called: Hereditary non-polyposis colorectal cancer, type 4; Colorectal cancer, hereditary nonpolyposis, type 4. Identifiers: Orphanet 144, MedGen C1838333, MONDO:0013699, OMIM 614337. Disease mechanism: loss of function.

Submission:

Myriad Genetics, Inc.
Classification: Pathogenic for Lynch syndrome 4. Last evaluated: 2023-10-09. Review status: criteria provided, single submitter. Criteria: Myriad Autosomal Dominant, Autosomal Recessive and X-Linked Classification Criteria (2023). Collection method: clinical testing. Allele origin: unknown.
Comment: This variant is considered pathogenic. This variant creates a frameshift predicted to result in premature protein truncation.

NM_000535.7(PMS2):c.1415_1418del (p.Lys472fs)

Gene: PMS2 (PMS1 homolog 2, mismatch repair system component; minus strand). Cytogenetic location: 7p22.1.
Variant type: Deletion.
Coding change: c.1415_1418del on transcript NM_000535.7 (MANE Select); coding-DNA positions 1415 to 1418, 4 bases deleted (AAGA; older notation c.1415_1418delAAGA).
Protein change: p.Lys472fs; shifts the reading frame from lysine 472.
Molecular consequence: frameshift variant. On other transcripts: non-coding transcript variant (1), intron variant (1).
Genome position (GRCh38, 1-based): chr7:5,987,347-5,987,350, TCTT deleted on the plus strand (AAGA on the coding strand, the reverse complement: PMS2 is on the minus strand); deleting any 4 consecutive bases within chr7:5,987,347-5,987,353 gives the same sequence; the c. name uses the placement nearest the transcript's 3' end. VCF-style (leftmost placement, unchanged base first): chr7-5987346-CTCTT-C. GRCh37 (hg19) VCF-style: chr7-6026977-CTCTT-C.
Other names: c.1007_1010delAGAA, p.Lys337Argfs (NM_001018040.1); c.1010_1013del, p.Lys337fs (NM_001322003.2, NM_001322004.2, NM_001322005.2 and 16 more transcripts); c.1259_1262del, p.Lys420fs (NM_001322006.2, NM_001406870.1); c.1097_1100del, p.Lys366fs (NM_001322007.2, NM_001322008.2, NM_001406876.1 and 2 more transcripts); c.854_857del, p.Lys285fs (NM_001322010.2, NM_001406906.1, NM_001406907.1); c.482_485del, p.Lys161fs (NM_001322011.2, NM_001322012.2); c.842_845del, p.Lys281fs (NM_001322013.2, NM_001406909.1); c.1415_1418del, p.Lys472fs (NM_001322014.2, NM_001406871.1, NM_001406872.1); and 14 more; short protein forms K337fs, K350fs, K360fs, K364fs, K366fs, K369fs, K406fs, K416fs.
Identifiers: ClinVar variation 2673976 (VCV002673976.1), dbSNP rs2535794447, ClinGen allele CA2695198441.
Genomic context (GRCh38, chr7:5,987,346, plus strand): 5'-GTCCTTCTCCACCTCCGCTCTGTCCGTAGGGTCACTGGGTCCGTGACTGGAACTCACTGC[CTCTT>C]TCTGAGGTCTCAGGACGCCTTTGTCAGAGATGGCACCTGAAGTGCTAGAAGACAGCATAC-3'